The following is an entry in ClinVar:

NM_001042492.3(NF1):c.2668C>A (p.Pro890Thr)

Gene: NF1 (neurofibromin 1; plus strand). Cytogenetic location: 17q11.2.
Variant type: single nucleotide variant.
Coding change: c.2668C>A on transcript NM_001042492.3 (MANE Select); coding-DNA position 2668, C replaced by A.
Protein change: p.Pro890Thr; replaces proline 890 with threonine.
Molecular consequence: missense variant.
Genome position (GRCh38, 1-based): chr17:31,229,283, C>A. VCF-style: chr17-31229283-C-A. GRCh37 (hg19) VCF-style: chr17-29556301-C-A.
Other names: c.2668C>A, p.Pro890Thr (NM_000267.4); short protein forms P890T.
Identifiers: ClinVar variation 233255 (VCV000233255.8), dbSNP rs771012891, ClinGen allele CA10580261.

ClinVar aggregate classification (germline): Uncertain significance. Review status: criteria provided, multiple submitters, no conflicts (2 of 4 stars). 4 submissions from 4 submitters: Uncertain significance (4). Last evaluated 2023-08-24.

Conditions:
Hereditary cancer-predisposing syndrome. Also called: Tumor predisposition; Hereditary Cancer Syndrome; Hereditary neoplastic syndrome; Neoplastic Syndromes, Hereditary. Identifiers: Orphanet 140162, MedGen C0027672, MeSH D009386, MONDO:0015356.
Neurofibromatosis, type 1 (NF1). Also called: VON RECKLINGHAUSEN DISEASE; NEUROFIBROMATOSIS, TYPE I, SOMATIC; Peripheral type neurofibromatosis; Neurofibromatosis, type I. Identifiers: Orphanet 636, MedGen C0027831, MONDO:0018975, OMIM 162200. Disease mechanism: loss of function.
Juvenile myelomonocytic leukemia (JMML). Also called: LEUKEMIA, JUVENILE MYELOMONOCYTIC, SOMATIC. Identifiers: Orphanet 86834, MedGen C0349639, MONDO:0011908, OMIM 607785, HP:0012209.

Submissions (4):

Baylor Genetics
Classification: Uncertain significance for Juvenile myelomonocytic leukemia. Last evaluated: 2023-08-24. Review status: criteria provided, single submitter. Criteria: ACMG Guidelines, 2015. Collection method: clinical testing. Allele origin: unknown.

Labcorp Genetics (formerly Invitae), Labcorp
Classification: Uncertain significance for Neurofibromatosis, type 1. Last evaluated: 2022-08-16. Review status: criteria provided, single submitter. Criteria: Invitae Variant Classification Sherloc (09022015). Collection method: clinical testing. Allele origin: germline.
Comment: This sequence change replaces proline, which is neutral and non-polar, with threonine, which is neutral and polar, at codon 890 of the NF1 protein (p.Pro890Thr). This variant is not present in population databases (gnomAD no frequency). This variant has not been reported in the literature in individuals affected with NF1-related conditions. ClinVar contains an entry for this variant (Variation ID: 233255). Advanced modeling of protein sequence and biophysical properties (such as structural, functional, and spatial information, amino acid conservation, physicochemical variation, residue mobility, and thermodynamic stability) performed at Invitae indicates that this missense variant is not expected to disrupt NF1 protein function. In summary, the available evidence is currently insufficient to determine the role of this variant in disease. Therefore, it has been classified as a Variant of Uncertain Significance.

Genome-Nilou Lab
Classification: Uncertain significance for Neurofibromatosis, type 1. Last evaluated: 2022-03-15. Review status: criteria provided, single submitter. Criteria: ACMG Guidelines, 2015. Collection method: clinical testing. Allele origin: germline. Affected: no.

Ambry Genetics
Classification: Uncertain significance for Hereditary cancer-predisposing syndrome. Last evaluated: 2015-07-29. Review status: criteria provided, single submitter. Criteria: Ambry Autosomal Dominant and X-Linked criteria (10/2015). Collection method: clinical testing. Allele origin: germline. Observed: 1 variant allele.
Comment: The p.P890T variant (also known as c.2668C>A), located in coding exon 21 of the NF1 gene, results from a C to A substitution at nucleotide position 2668. The proline at codon 890 is replaced by threonine, an amino acid with highly similar properties. This variant was not reported in population based cohorts in the following databases: Database of Single Nucleotide Polymorphisms (dbSNP), NHLBI Exome Sequencing Project (ESP), and 1000 Genomes Project. In the ESP, this variant was not observed in 6503 samples (13006 alleles) with coverage at this position. To date, this alteration has been detected with an allele frequency of approximately 0.002% (greater than 55000alleles tested) in our clinical cohort.This amino acid position is highly conserved in available vertebrate species. In addition, this alteration is predicted to be deleterious by in silico analysis.Since supporting evidence is limited at this time, the clinical significance of p.P890T remains unclear.